The following is an entry in ClinVar:

NM_030973.4(MED25):c.1604A>G (p.Asn535Ser)

Gene: MED25 (mediator complex subunit 25; plus strand). Cytogenetic location: 19q13.33.
Variant type: single nucleotide variant.
Coding change: c.1604A>G on transcript NM_030973.4 (MANE Select); coding-DNA position 1604, A replaced by G.
Protein change: p.Asn535Ser; replaces asparagine 535 with serine.
Molecular consequence: missense variant.
Genome position (GRCh38, 1-based): chr19:49,835,107, A>G. VCF-style: chr19-49835107-A-G. GRCh37 (hg19) VCF-style: chr19-50338364-A-G.
Other names: c.1604A>G, p.Asn535Ser (NM_001378355.1); short protein forms N535S.
Identifiers: ClinVar variation 1408036 (VCV001408036.3), dbSNP rs1198078458, ClinGen allele CA406918284.

ClinVar aggregate classification (germline): Uncertain significance (1 of 4 stars; one submission).

Conditions:
Charcot-Marie-Tooth disease type 2. Also called: Charcot-Marie-Tooth type 2. Identifiers: Orphanet 64746, MedGen C0270914, MONDO:0018993.

Allele frequency attached by ClinVar (database versions not stated): TOPMed 0.00002; gnomAD 0.00002.
gnomAD v4.1: 15 of 1,613,940 alleles (0.00093%); highest among the groups gnomAD compares: Admixed American, 0.0017%; no homozygotes.

Submission:

Labcorp Genetics (formerly Invitae), Labcorp
Classification: Uncertain significance for Charcot-Marie-Tooth disease type 2. Last evaluated: 2021-12-18. Review status: criteria provided, single submitter. Criteria: Invitae Variant Classification Sherloc (09022015). Collection method: clinical testing. Allele origin: germline.
Comment: This sequence change replaces asparagine, which is neutral and polar, with serine, which is neutral and polar, at codon 535 of the MED25 protein (p.Asn535Ser). This variant is present in population databases (no rsID available, gnomAD 0.007%). This variant has not been reported in the literature in individuals affected with MED25-related conditions. Algorithms developed to predict the effect of missense changes on protein structure and function output the following: SIFT: "Tolerated"; PolyPhen-2: "Benign"; Align-GVGD: "Class C0". The serine amino acid residue is found in multiple mammalian species, which suggests that this missense change does not adversely affect protein function. In summary, the available evidence is currently insufficient to determine the role of this variant in disease. Therefore, it has been classified as a Variant of Uncertain Significance.